The following is an entry in ClinVar:

ClinVar aggregate classification (germline): Uncertain significance (1 of 4 stars; one submission).

Conditions:
Congenital myasthenic syndrome 8. Also called: Myasthenic syndrome, congenital, 8, with pre- and postsynaptic defects; MYASTHENIC SYNDROME, CONGENITAL, DUE TO AGRIN DEFICIENCY. Identifiers: Orphanet 590, MedGen C3808739, MONDO:0014052, OMIM 615120.

gnomAD v4.1: 4 of 1,573,590 alleles (0.00025%); highest among the groups gnomAD compares: Non-Finnish European, 0.00034%; no homozygotes.

Submission:

Labcorp Genetics (formerly Invitae), Labcorp
Classification: Uncertain significance for Congenital myasthenic syndrome 8. Last evaluated: 2023-06-09. Review status: criteria provided, single submitter. Criteria: Invitae Variant Classification Sherloc (09022015). Collection method: clinical testing. Allele origin: germline.
Comment: This variant has not been reported in the literature in individuals affected with AGRN-related conditions. In summary, the available evidence is currently insufficient to determine the role of this variant in disease. Therefore, it has been classified as a Variant of Uncertain Significance. An algorithm developed to predict the effect of missense changes on protein structure and function (PolyPhen-2) suggests that this variant is likely to be disruptive. This variant is not present in population databases (gnomAD no frequency). This sequence change replaces cysteine, which is neutral and slightly polar, with tryptophan, which is neutral and slightly polar, at codon 1548 of the AGRN protein (p.Cys1548Trp).

NM_198576.4(AGRN):c.4644C>G (p.Cys1548Trp)

Gene: AGRN (agrin; plus strand). Cytogenetic location: 1p36.33.
Variant type: single nucleotide variant.
Coding change: c.4644C>G on transcript NM_198576.4 (MANE Select); coding-DNA position 4644, C replaced by G.
Protein change: p.Cys1548Trp; replaces cysteine 1548 with tryptophan.
Molecular consequence: missense variant.
Genome position (GRCh38, 1-based): chr1:1,049,695, C>G. VCF-style: chr1-1049695-C-G. GRCh37 (hg19) VCF-style: chr1-985075-C-G.
Other names: c.4644C>G, p.Cys1548Trp (NM_001305275.2); c.4329C>G, p.Cys1443Trp (NM_001364727.2); short protein forms C1443W, C1548W.
Identifiers: ClinVar variation 2980258 (VCV002980258.3), dbSNP rs752280977, ClinGen allele CA337778834.